The following is an entry in ClinVar:

NM_001458.5(FLNC):c.5316_5554del239 (p.Val1773fs)

Genes: FLNC (filamin C; plus strand), FLNC-AS1 (FLNC antisense RNA 1; minus strand). Cytogenetic location: 7q32.1.
Variant type: Deletion.
Coding change: c.5316_5554del239 on transcript NM_001458.5 (MANE Select); coding-DNA positions 5316 to 5554, 239 bases deleted.
Protein change: p.Val1773fs; shifts the reading frame from valine 1773.
Molecular consequence: frameshift variant, splice acceptor variant, splice donor variant.
Genome position: GRCh38: chr7:128,850,401-128,851,246. GRCh37 (hg19): chr7:128,490,455-128,491,300.
Other names: c.5217_5455del239, p.Val1740fs (NM_001127487.2); short protein forms V1740fs, V1773fs.
Identifiers: ClinVar variation 4812504 (VCV004812504.1).

ClinVar aggregate classification (germline): Pathogenic (1 of 4 stars; one submission).

Conditions:
Hypertrophic cardiomyopathy 26. Also called: Cardiomyopathy, familial hypertrophic, 26. Identifiers: Orphanet 75249, MedGen C4310749, MONDO:0014883, OMIM 617047.
Myofibrillar myopathy 5. Also called: Filaminopathy (type); FILAMINOPATHY, AUTOSOMAL DOMINANT. Identifiers: Orphanet 171445, MedGen C1836050, MONDO:0012289, OMIM 609524.
Distal myopathy with posterior leg and anterior hand involvement. Also called: WILLIAMS DISTAL MYOPATHY. Identifiers: Orphanet 63273, MedGen C3279722, MONDO:0013550, OMIM 614065.

Submission:

Labcorp Genetics (formerly Invitae), Labcorp
Classification: Pathogenic for Distal myopathy with posterior leg and anterior hand involvement; Myofibrillar myopathy 5; Hypertrophic cardiomyopathy 26. Last evaluated: 2025-07-31. Review status: criteria provided, single submitter. Criteria: Invitae Variant Classification Sherloc (09022015). Collection method: clinical testing. Allele origin: germline.
Comment: This variant results in the deletion of exon 33 and part of exons 32 and 34 (c.5316_5554del) of the FLNC gene. This deletion is out-of-frame, and is expected to create a premature termination codon and result in an absent or disrupted protein product. Loss-of-function variants in FLNC are known to be pathogenic (PMID: 27908349). This variant is not present in population databases (gnomAD no frequency). This variant has not been reported in the literature in individuals affected with FLNC-related conditions. For these reasons, this variant has been classified as Pathogenic.

Literature cited by the submitters: PubMed 27908349.